The following is an entry in ClinVar:

NM_001366385.1(CARD14):c.2398+30A>G

Genes: CARD14 (caspase recruitment domain family member 14; plus strand), SGSH (N-sulfoglucosamine sulfohydrolase; minus strand). Cytogenetic location: 17q25.3.
Variant type: single nucleotide variant.
Coding change: c.2398+30A>G on transcript NM_001366385.1 (MANE Select); 30 bases into the intron after coding-DNA position 2398, A replaced by G.
Molecular consequence: intron variant.
Genome position (GRCh38, 1-based): chr17:80,204,371, A>G. VCF-style: chr17-80204371-A-G. GRCh37 (hg19) VCF-style: chr17-78178170-A-G.
Other names: c.2398+30A>G (NM_024110.4).
Identifiers: ClinVar variation 1192536 (VCV001192536.9), dbSNP rs4889996, ClinGen allele CA8817294.

ClinVar aggregate classification (germline): Benign/Likely benign. Review status: criteria provided, multiple submitters, no conflicts (2 of 4 stars). 6 submissions from 5 submitters: Benign (5); Likely benign (1). Last evaluated 2023-11-12.

Conditions:
Pityriasis rubra pilaris (PRP). Also called: Pityriasis rubra pilaris--familial type. Identifiers: Orphanet 2897, MedGen C0032027, MONDO:0100017, OMIM 173200, MONDO:0008251.
Psoriasis 2. Identifiers: MedGen C1864497, MONDO:0011269, OMIM 602723.

Allele frequency attached by ClinVar (database versions not stated): 1000 Genomes Project 30x 0.37086; 1000 Genomes Project 0.37300; TOPMed 0.40707; gnomAD 0.41486 and 0.41701; gnomAD exomes 0.42002 and 0.48470; ESP Exome Variant Server 0.42200; ExAC 0.45621.
gnomAD v4.1: 720,998 of 1,511,984 alleles (48%); highest among the groups gnomAD compares: East Asian, 55%; 176,772 homozygotes.

Submissions (6):

Unidad de Genómica Garrahan, Hospital de Pediatría Garrahan
Classification: Benign. Last evaluated: 2023-11-12. Review status: criteria provided, single submitter. Criteria: ACMG Guidelines, 2015. Collection method: clinical testing. Allele origin: germline. Affected: no. Observed: 52 variant alleles.
Comment: This variant is classified as Benign based on local population frequency. This variant was detected in 54% of patients studied by a panel of primary immunodeficiencies. Number of patients: 52. Only high quality variants are reported.

Genome-Nilou Lab
Classification: Benign for Pityriasis rubra pilaris. Last evaluated: 2021-07-14. Review status: criteria provided, single submitter. Criteria: ACMG Guidelines, 2015. Collection method: clinical testing. Allele origin: germline. Affected: no.

Genome-Nilou Lab
Classification: Benign for Psoriasis 2. Last evaluated: 2021-07-14. Review status: criteria provided, single submitter. Criteria: ACMG Guidelines, 2015. Collection method: clinical testing. Allele origin: germline. Affected: no.

Blueprint Genetics
Classification: Likely benign. Last evaluated: 2020-02-03. Review status: criteria provided, single submitter. Criteria: ACMG Guidelines, 2015. Collection method: clinical testing. Allele origin: germline.

GeneDx
Classification: Benign. Last evaluated: 2018-07-09. Review status: criteria provided, single submitter. Criteria: GeneDx Variant Classification Process June 2021. Collection method: clinical testing. Allele origin: germline. Affected: yes.

Breakthrough Genomics
Classification: Benign. Review status: criteria provided, single submitter. Criteria: ACMG Guidelines, 2015. Collection method: not provided. Allele origin: germline. Inheritance: Autosomal dominant inheritance. Affected: yes.